The following is an entry in ClinVar:

NM_025207.5(FLAD1):c.1588C>T (p.Arg530Cys)

Gene: FLAD1 (flavin adenine dinucleotide synthetase 1; plus strand). Cytogenetic location: 1q21.3.
Variant type: single nucleotide variant.
Coding change: c.1588C>T on transcript NM_025207.5 (MANE Select); coding-DNA position 1588, C replaced by T.
Protein change: p.Arg530Cys; replaces arginine 530 with cysteine.
Molecular consequence: missense variant.
Genome position (GRCh38, 1-based): chr1:154,992,746, C>T. VCF-style: chr1-154992746-C-T. GRCh37 (hg19) VCF-style: chr1-154965222-C-T.
Other names: c.1297C>T, p.Arg433Cys (NM_001184891.2, NM_201398.3); short protein forms R530C, R433C.
Identifiers: ClinVar variation 224729 (VCV000224729.12), dbSNP rs771466122, ClinGen allele CA1134629.

ClinVar aggregate classification (germline): Pathogenic/Likely pathogenic. Review status: criteria provided, multiple submitters, no conflicts (2 of 4 stars). 7 submissions from 7 submitters: Pathogenic (5); Likely pathogenic (1). 1 of the submissions does not count toward it. Last evaluated 2026-03-14.

Conditions:
FLAD1-related disorder. Also called: FLAD1-related condition.
Multiple acyl-CoA dehydrogenase deficiency (MADD). Also called: Glutaric acidemia type II; GA 2; ETHYLMALONIC-ADIPICACIDURIA; GA II; Glutaric aciduria, type 2; Glutaric Acidemia type 2. Identifiers: Orphanet 26791, MedGen C0268596, MONDO:0009282, OMIM 231680.
Myopathy with abnormal lipid metabolism. Also called: Lipid storage myopathy due to flavin adenine dinucleotide synthetase deficiency. Identifiers: MedGen C4310822, MONDO:0009703, OMIM 255100.

Allele frequency attached by ClinVar (database versions not stated): ExAC 0.00002; gnomAD exomes 0.00002; TOPMed 0.00002; gnomAD 0.00005.
gnomAD v4.1: 39 of 1,614,000 alleles (0.0024%); highest among the groups gnomAD compares: South Asian, 0.0066%; no homozygotes.

Submissions (7):

PreventionGenetics, part of Exact Sciences
Classification: Pathogenic for FLAD1-related condition. Last evaluated: 2026-03-14. Review status: criteria provided, single submitter. Criteria: ACMG Guidelines, 2015. Collection method: clinical testing. Allele origin: germline.
Comment: The FLAD1 c.1588C>T variant is predicted to result in the amino acid substitution p.Arg530Cys. This variant has been reported in the homozygous or compound heterozygous state in multiple individuals with multiple acyl-CoA dehydrogenase deficiency or combined respiratory-chain deficiency and lipid storage myopathy (Olsen et al. 2016. PubMed ID: 27259049; Auranen et al. 2017. PubMed ID: 28433476; Muru et al. 2019. PubMed ID: 31392824; Vengalil et al. 2022. PubMed ID: 35342266; Wen et al. 2024. PubMed ID: 38228875). Functional studies suggest that the p.Arg530Cys substitution impacts the normal FLAD1 protein function (Olsen et al. 2016. PubMed ID: 27259049). This variant is reported in 0.0050% of alleles in individuals of East Asian descent in gnomAD. This variant is interpreted as pathogenic.

Labcorp Genetics (formerly Invitae), Labcorp
Classification: Pathogenic. Last evaluated: 2025-09-29. Review status: criteria provided, single submitter. Criteria: Invitae Variant Classification Sherloc (09022015). Collection method: clinical testing. Allele origin: germline.
Comment: This sequence change replaces arginine, which is basic and polar, with cysteine, which is neutral and slightly polar, at codon 530 of the FLAD1 protein (p.Arg530Cys). This variant is present in population databases (rs771466122, gnomAD 0.005%). This missense change has been observed in individual(s) with FLAD1-related conditions (PMID: 27259049, 31392824). In at least one individual the data is consistent with being in trans (on the opposite chromosome) from a pathogenic variant. ClinVar contains an entry for this variant (Variation ID: 224729). An algorithm developed to predict the effect of missense changes on protein structure and function (PolyPhen-2) suggests that this variant is likely to be disruptive. Experimental studies have shown that this missense change affects FLAD1 function (PMID: 27259049). Algorithms developed to predict the effect of sequence changes on RNA splicing suggest that this variant may disrupt the consensus splice site. For these reasons, this variant has been classified as Pathogenic.

GeneDx
Classification: Pathogenic. Last evaluated: 2017-09-08. Review status: criteria provided, single submitter. Criteria: GeneDx Variant Classification (06012015). Collection method: clinical testing. Allele origin: germline. Affected: yes.
Comment: The R530C variant in the FLAD1 gene has previously been reported in two individuals with adult onset riboflavin responsive multiple acyl-CoA dehydrogenase deficiency who were compound heterozygous for frameshift variants in FLAD1 (Olsen et al., 2016). Functional analysis of R530C found that is is associated with higher sensitivity to proteolytic degradation and significantly reduced catalytic activity compared to wild-type (Olsen et al., 2016). The R530C variant is not observed at a significant frequency in large population cohorts (Lek et al., 2016; 1000 Genomes Consortium et al., 2015; Exome Variant Server). The R530C variant is a non-conservative amino acid substitution, which is likely to impact secondary protein structure as these residues differ in polarity, charge, size and/or other properties. This substitution occurs at a position that is conserved across species, and in silico analysis predicts this variant is probably damaging to the protein structure/function. In summary, we interpret R530C to be a pathogenic variant.

Research Unit for Molecular Medicine, Department for Clinical Medicine, Aarhus University
Classification: Pathogenic for Multiple acyl-CoA dehydrogenase deficiency. Last evaluated: 2016-03-14. Review status: criteria provided, single submitter. Criteria: Submitter's publication. Collection method: research. Allele origin: inherited. Affected: yes. Observed: 2 variant alleles.

Juno Genomics, Hangzhou Juno Genomics, Inc
Classification: Likely pathogenic for Myopathy with abnormal lipid metabolism. Review status: criteria provided, single submitter. Criteria: ACMG Guidelines, 2015. Collection method: clinical testing. Allele origin: germline.
Comment: Absent from controls (or at extremely low frequency if recessive) in Genome Aggregation Database.;For recessive disorders, detected in trans with a pathogenic variant.;Patient's phenotype or family history is highly specific for a disease with a single genetic etiology.;Well-established in vitro or in vivo functional studies supportive of a damaging effect on the gene or gene product.

Suma Genomics
Classification: Pathogenic for Myopathy with abnormal lipid metabolism. Review status: criteria provided, single submitter. Criteria: ACMG Guidelines, 2015. Collection method: clinical testing. Allele origin: germline. Inheritance: Autosomal recessive inheritance. Affected: yes. Observed: 1 compound heterozygote.
Comment: The missense variant c.1588C>T, p.(Arg530Cys) is observed in exon 6 of FLAD1. This variant is observed in 39 individuals in heterozygous state in the gnomAD database. ACMG classification: Pathogenic Criteria met: PS3_Strong,PS4_Moderate, PM2_Supporting and PM3_Strong)

OMIM
Classification: Pathogenic for LIPID STORAGE MYOPATHY DUE TO FLAVIN ADENINE DINUCLEOTIDE SYNTHETASE DEFICIENCY. Last evaluated: 2019-09-10. Review status: no assertion criteria provided. Collection method: literature only. Allele origin: germline. Not counted in ClinVar's aggregate classification.

Literature cited by the submitters: PubMed 27259049 (cited by Labcorp Genetics (formerly Invitae), Labcorp and OMIM); PubMed 31392824 (cited by Labcorp Genetics (formerly Invitae), Labcorp).